The following is an entry in ClinVar:

NM_020365.5(EIF2B3):c.743A>G (p.Glu248Gly)

Gene: EIF2B3 (eukaryotic translation initiation factor 2B subunit gamma; minus strand). Cytogenetic location: 1p34.1.
Variant type: single nucleotide variant.
Coding change: c.743A>G on transcript NM_020365.5 (MANE Select); coding-DNA position 743, A replaced by G.
Protein change: p.Glu248Gly; replaces glutamic acid 248 with glycine.
Molecular consequence: missense variant.
Genome position (GRCh38, 1-based): chr1:44,881,653, T>C on the plus strand (A>G on the coding strand, the complement: EIF2B3 is on the minus strand). VCF-style: chr1-44881653-T-C. GRCh37 (hg19) VCF-style: chr1-45347325-T-C.
Other names: c.743A>G, p.Glu248Gly (NM_001166588.3, NM_001261418.2); short protein forms E248G.
Identifiers: ClinVar variation 297443 (VCV000297443.28), dbSNP rs886046360, ClinGen allele CA10611298.

ClinVar aggregate classification (germline): Uncertain significance. Review status: criteria provided, multiple submitters, no conflicts (2 of 4 stars). 2 submissions from 2 submitters: Uncertain significance (2). Last evaluated 2023-11-01.

Conditions:
Vanishing white matter disease. Also called: CACH syndrome; Childhood ataxia with diffuse central nervous system hypomyelination; Leukoencephalopathy with vanishing white matter; CACH/VWM syndrome; Cree leukoencehalopathy. Identifiers: Orphanet 135, Orphanet 99853, MedGen C1858991, MONDO:0800448.

Allele frequency attached by ClinVar (database versions not stated): TOPMed below 0.00001.

Submissions (2):

CeGaT Center for Human Genetics Tuebingen
Classification: Uncertain significance. Last evaluated: 2023-11-01. Review status: criteria provided, single submitter. Criteria: CeGaT Center For Human Genetics Tuebingen Variant Classification Criteria Version 2. Collection method: clinical testing. Allele origin: germline. Affected: yes. Observed: 1 variant allele.
Comment: EIF2B3: PM2, BP4

Illumina Laboratory Services, Illumina
Classification: Uncertain significance for Leukoencephalopathy with vanishing white matter 1. Last evaluated: 2018-01-13. Review status: criteria provided, single submitter. Criteria: ICSL Variant Classification Criteria 13 December 2019. Collection method: clinical testing. Allele origin: germline.